The following is an entry in ClinVar:

ClinVar aggregate classification (germline): Uncertain significance (1 of 4 stars; one submission).

gnomAD v4.1: 1 of 1,612,780 alleles (0.000062%); highest among the groups gnomAD compares: South Asian, 0.0011%; no homozygotes.

Submission:

CeGaT Center for Human Genetics Tuebingen
Classification: Uncertain significance. Last evaluated: 2024-10-01. Review status: criteria provided, single submitter. Criteria: CeGaT Center For Human Genetics Tuebingen Variant Classification Criteria Version 2. Collection method: clinical testing. Allele origin: germline. Affected: yes. Observed: 1 variant allele.
Comment: PCLO: PM2, BP4

NM_033026.6(PCLO):c.11984A>G (p.Asn3995Ser)

Gene: PCLO (piccolo presynaptic cytomatrix protein; minus strand). Cytogenetic location: 7q21.11.
Variant type: single nucleotide variant.
Coding change: c.11984A>G on transcript NM_033026.6 (MANE Select); coding-DNA position 11984, A replaced by G.
Protein change: p.Asn3995Ser; replaces asparagine 3995 with serine.
Molecular consequence: missense variant.
Genome position (GRCh38, 1-based): chr7:82,916,002, T>C on the plus strand (A>G on the coding strand, the complement: PCLO is on the minus strand). VCF-style: chr7-82916002-T-C. GRCh37 (hg19) VCF-style: chr7-82545318-T-C.
Other names: c.11984A>G, p.Asn3995Ser (NM_014510.3); short protein forms N3995S.
Identifiers: ClinVar variation 3389897 (VCV003389897.14).
Genomic context (GRCh38, chr7:82,916,002, plus strand): 5'-AAACCTATTCTCAAGTCTAAACTATTGTACTTACTACCAAGATGGGAAACAGCAAATGTG[T>C]TATCCGTAGAAACAGGTGCTATCATAAGGGGTTGGTTGCGAATCACTTCATAGTTTGAGG-3'
Protein context (NP_149015.2, residues 3985-4005): PLMIAPVSTD[Asn3995Ser]TFAVSHLGSK